The following is an entry in ClinVar:

ClinVar aggregate classification (germline): Likely benign (0 of 4 stars; one submission).

Conditions:
SLC51A-related disorder. Also called: SLC51A-related condition.

Allele frequency attached by ClinVar (database versions not stated): gnomAD 0.00001.

Submission:

PreventionGenetics, part of Exact Sciences
Classification: Likely benign for SLC51A-related condition. Last evaluated: 2023-01-24. Review status: no assertion criteria provided. Collection method: clinical testing. Allele origin: germline.
Comment: This variant is classified as likely benign based on ACMG/AMP sequence variant interpretation guidelines (Richards et al. 2015 PMID: 25741868, with internal and published modifications).

NM_152672.6(SLC51A):c.655C>T (p.Leu219=)

Gene: SLC51A (solute carrier family 51 member A; plus strand). Cytogenetic location: 3q29.
Variant type: single nucleotide variant.
Coding change: c.655C>T on transcript NM_152672.6 (MANE Select); coding-DNA position 655, C replaced by T.
Protein change: p.Leu219=; no amino-acid change (leucine 219 retained).
Molecular consequence: synonymous variant.
Genome position (GRCh38, 1-based): chr3:196,229,936, C>T. VCF-style: chr3-196229936-C-T. GRCh37 (hg19) VCF-style: chr3-195956807-C-T.
Identifiers: ClinVar variation 3049305 (VCV003049305.2), dbSNP rs2474005278, ClinGen allele CA437774700.